The following is an entry in ClinVar:

NM_001127222.2(CACNA1A):c.6303+3G>A

Gene: CACNA1A (calcium voltage-gated channel subunit alpha1 A; minus strand). Cytogenetic location: 19p13.13.
Variant type: single nucleotide variant.
Coding change: c.6303+3G>A on transcript NM_001127222.2 (MANE Select); 3 bases into the intron after coding-DNA position 6303, G replaced by A.
Molecular consequence: intron variant.
Genome position (GRCh38, 1-based): chr19:13,212,100, C>T on the plus strand (G>A on the coding strand, the complement: CACNA1A is on the minus strand). VCF-style: chr19-13212100-C-T. GRCh37 (hg19) VCF-style: chr19-13322914-C-T.
Other names: c.6306+3G>A (NM_001127221.2); c.6312+3G>A (NM_001174080.2); c.6321+3G>A (NM_000068.4, NM_023035.3).
Identifiers: ClinVar variation 2936718 (VCV002936718.3), dbSNP rs747040790, ClinGen allele CA9239407.

ClinVar aggregate classification (germline): Uncertain significance (1 of 4 stars; one submission).

Conditions:
Episodic ataxia type 2 (EA2). Also called: CEREBELLAR ATAXIA, PAROXYSMAL, ACETAZOLAMIDE-RESPONSIVE; CEREBELLOPATHY, HEREDITARY PAROXYSMAL; EPISODIC ATAXIA, NYSTAGMUS-ASSOCIATED; ACETAZOLAMIDE-RESPONSIVE HEREDITARY PAROXYSMAL CEREBELLAR ATAXIA; ATAXIA, EPISODIC, WITH NYSTAGMUS; ATAXIA, FAMILIAL PAROXYSMAL. Identifiers: Orphanet 97, MedGen C1720416, MONDO:0007163, OMIM 108500.
Developmental and epileptic encephalopathy, 42 (DEE42A). Also called: Epileptic encephalopathy, early infantile, 42; DEVELOPMENTAL AND EPILEPTIC ENCEPHALOPATHY 42A; EPILEPTIC ENCEPHALOPATHY, EARLY INFANTILE, 42A. Identifiers: MedGen C4310716, MONDO:0014917, OMIM 617106.

Allele frequency attached by ClinVar (database versions not stated): gnomAD 0.00001; gnomAD exomes 0.00001; ExAC 0.00003.
gnomAD v4.1: 9 of 1,604,950 alleles (0.00056%); highest among the groups gnomAD compares: South Asian, 0.0088%; no homozygotes.

Submission:

Labcorp Genetics (formerly Invitae), Labcorp
Classification: Uncertain significance for Developmental and epileptic encephalopathy, 42; Episodic ataxia type 2. Last evaluated: 2023-07-30. Review status: criteria provided, single submitter. Criteria: Invitae Variant Classification Sherloc (09022015). Collection method: clinical testing. Allele origin: germline.
Comment: This sequence change falls in intron 43 of the CACNA1A gene. It does not directly change the encoded amino acid sequence of the CACNA1A protein. It affects a nucleotide within the consensus splice site. This variant is present in population databases (rs747040790, gnomAD 0.01%). This variant has not been reported in the literature in individuals affected with CACNA1A-related conditions. Variants that disrupt the consensus splice site are a relatively common cause of aberrant splicing (PMID: 17576681, 9536098). Algorithms developed to predict the effect of sequence changes on RNA splicing suggest that this variant is not likely to affect RNA splicing. In summary, the available evidence is currently insufficient to determine the role of this variant in disease. Therefore, it has been classified as a Variant of Uncertain Significance.

Literature cited by the submitters: PubMed 17576681; PubMed 9536098.